The following is an entry in ClinVar:

ClinVar aggregate classification (germline): Conflicting classifications of pathogenicity. Review status: criteria provided, conflicting classifications (1 of 4 stars). 5 submissions from 5 submitters: Likely pathogenic (1); Uncertain significance (3); Likely benign (1). Last evaluated 2025-09-08.

Conditions:
Early-infantile DEE. Also called: Ohtahara syndrome; Early infantile epileptic encephalopathy with suppression bursts; Early infantile epileptic encephalopathy. Identifiers: Orphanet 1934, MedGen C0393706, MONDO:0800491.
Inborn genetic diseases. Identifiers: MedGen C0950123, MeSH D030342.

Allele frequency attached by ClinVar (database versions not stated): ExAC 0.00002; gnomAD 0.00001; TOPMed 0.00001; gnomAD exomes 0.00002.
gnomAD v4.1: 10 of 1,613,996 alleles (0.00062%); highest among the groups gnomAD compares: Middle Eastern, 0.016%; no homozygotes.

Submissions (5):

Labcorp Genetics (formerly Invitae), Labcorp
Classification: Likely pathogenic for Early-infantile DEE. Last evaluated: 2025-09-08. Review status: criteria provided, single submitter. Criteria: Invitae Variant Classification Sherloc (09022015). Collection method: clinical testing. Allele origin: germline.
Comment: This sequence change replaces valine, which is neutral and non-polar, with methionine, which is neutral and non-polar, at codon 887 of the SCN1A protein (p.Val887Met). This variant is present in population databases (rs368663649, gnomAD 0.006%). This missense change has been observed in individuals with clinical features of autosomal dominant developmental and epileptic encephalopathy (PMID: 38438125; internal data). ClinVar contains an entry for this variant (Variation ID: 282593). Invitae Evidence Modeling of protein sequence and biophysical properties (such as structural, functional, and spatial information, amino acid conservation, physicochemical variation, residue mobility, and thermodynamic stability) indicates that this missense variant is expected to disrupt SCN1A protein function with a positive predictive value of 95%. In summary, the currently available evidence indicates that the variant is pathogenic, but additional data are needed to prove that conclusively. Therefore, this variant has been classified as Likely Pathogenic.

Women's Health and Genetics/Laboratory Corporation of America, LabCorp
Classification: Uncertain significance. Last evaluated: 2024-09-11. Review status: criteria provided, single submitter. Criteria: LabCorp Variant Classification Summary - May 2015. Collection method: clinical testing. Allele origin: germline.
Comment: Variant summary: SCN1A c.2659G>A (p.Val887Met) results in a conservative amino acid change located in the Ion transport domain of the encoded protein sequence. Three of five in-silico tools predict a damaging effect of the variant on protein function. The variant allele was found at a frequency of 2.4e-05 in 251362 control chromosomes. The available data on variant occurrences in the general population are insufficient to allow any conclusion about variant significance. To our knowledge, no occurrence of c.2659G>A in individuals affected with SCN1A-Related Seizure Disorder and no experimental evidence demonstrating its impact on protein function have been reported. ClinVar contains an entry for this variant (Variation ID: 282593). Based on the evidence outlined above, the variant was classified as uncertain significance.

Ambry Genetics
Classification: Likely benign for Inborn genetic diseases. Last evaluated: 2023-07-10. Review status: criteria provided, single submitter. Criteria: Ambry Variant Classification Scheme 2023. Collection method: clinical testing. Allele origin: germline.

GeneDx
Classification: Uncertain significance. Last evaluated: 2022-03-04. Review status: criteria provided, single submitter. Criteria: GeneDx Variant Classification Process June 2021. Collection method: clinical testing. Allele origin: germline. Affected: yes.
Comment: Missense variants in this gene are often considered pathogenic (HGMD); In silico analysis supports that this missense variant has a deleterious effect on protein structure/function; This substitution is predicted to be within the intracellular loop between the S4 and S5 transmembrane segments of the second homologous domain; Has not been previously published as pathogenic or benign to our knowledge

Eurofins Ntd Llc (ga)
Classification: Uncertain significance. Last evaluated: 2015-08-13. Review status: criteria provided, single submitter. Criteria: EGL Classification Definitions 2015. Collection method: clinical testing. Allele origin: germline. Observed: 1 variant allele, 1 heterozygote.

Literature cited by the submitters: PubMed 38438125 (cited by Labcorp Genetics (formerly Invitae), Labcorp).

NM_001165963.4(SCN1A):c.2659G>A (p.Val887Met)

Gene: SCN1A (sodium voltage-gated channel alpha subunit 1; minus strand). Cytogenetic location: 2q24.3.
Variant type: single nucleotide variant.
Coding change: c.2659G>A on transcript NM_001165963.4 (MANE Select); coding-DNA position 2659, G replaced by A.
Protein change: p.Val887Met; replaces valine 887 with methionine.
Molecular consequence: missense variant. On other transcripts: non-coding transcript variant (1).
Genome position (GRCh38, 1-based): chr2:166,038,063, C>T on the plus strand (G>A on the coding strand, the complement: SCN1A is on the minus strand). VCF-style: chr2-166038063-C-T. GRCh37 (hg19) VCF-style: chr2-166894573-C-T.
Other names: c.2575G>A, p.Val859Met (NM_001165964.3, NM_001353957.2, NM_001353958.2); c.2659G>A, p.Val887Met (NM_001202435.3, NM_001353948.2); c.2626G>A, p.Val876Met (NM_001353949.2, NM_001353950.2, NM_001353951.2 and 2 more transcripts); c.2623G>A, p.Val875Met (NM_001353954.2, NM_001353955.2); c.2572G>A, p.Val858Met (NM_001353960.2); c.217G>A, p.Val73Met (NM_001353961.2); short protein forms V876M, V887M, V73M, V875M, V858M, V859M.
Identifiers: ClinVar variation 282593 (VCV000282593.14), dbSNP rs368663649, ClinGen allele CA1943061.